The following is an entry in ClinVar:

NM_022489.4(INF2):c.3340C>G (p.Leu1114Val)

Gene: INF2 (inverted formin 2; plus strand). Cytogenetic location: 14q32.33.
Variant type: single nucleotide variant.
Coding change: c.3340C>G on transcript NM_022489.4 (MANE Select); coding-DNA position 3340, C replaced by G.
Protein change: p.Leu1114Val; replaces leucine 1114 with valine.
Molecular consequence: missense variant.
Genome position (GRCh38, 1-based): chr14:104,714,502, C>G. VCF-style: chr14-104714502-C-G. GRCh37 (hg19) VCF-style: chr14-105180839-C-G.
Other names: c.3340C>G, p.Leu1114Val (NM_001031714.4); short protein forms L1114V.
Identifiers: ClinVar variation 1718164 (VCV001718164.5), dbSNP rs758097778, ClinGen allele CA391224145.

ClinVar aggregate classification (germline): Uncertain significance (1 of 4 stars; one submission).

Conditions:
Focal segmental glomerulosclerosis 5 (FSGS5). Identifiers: Orphanet 656, MedGen C2750475, MONDO:0013191, OMIM 613237.
Charcot-Marie-Tooth disease dominant intermediate E. Also called: CHARCOT-MARIE-TOOTH NEUROPATHY WITH FOCAL SEGMENTAL GLOMERULONEPHRITIS. Identifiers: Orphanet 93114, MedGen C4302667, MONDO:0013758, OMIM 614455.

Allele frequency attached by ClinVar (database versions not stated): TOPMed below 0.00001.
gnomAD v4.1: 1 of 1,612,778 alleles (0.000062%); no homozygotes.

Submission:

Labcorp Genetics (formerly Invitae), Labcorp
Classification: Uncertain significance for Charcot-Marie-Tooth disease dominant intermediate E; Focal segmental glomerulosclerosis 5. Last evaluated: 2022-08-27. Review status: criteria provided, single submitter. Criteria: Invitae Variant Classification Sherloc (09022015). Collection method: clinical testing. Allele origin: germline.
Comment: Algorithms developed to predict the effect of missense changes on protein structure and function are either unavailable or do not agree on the potential impact of this missense change (SIFT: "Deleterious"; PolyPhen-2: "Not Available"; Align-GVGD: "Class C0"). In summary, the available evidence is currently insufficient to determine the role of this variant in disease. Therefore, it has been classified as a Variant of Uncertain Significance. This variant has not been reported in the literature in individuals affected with INF2-related conditions. This sequence change replaces leucine, which is neutral and non-polar, with valine, which is neutral and non-polar, at codon 1114 of the INF2 protein (p.Leu1114Val). This variant is not present in population databases (gnomAD no frequency).